The following is an entry in ClinVar:

ClinVar aggregate classification (germline): Uncertain significance (1 of 4 stars; one submission).

Conditions:
Distal myopathy with posterior leg and anterior hand involvement. Also called: WILLIAMS DISTAL MYOPATHY. Identifiers: Orphanet 63273, MedGen C3279722, MONDO:0013550, OMIM 614065.
Myofibrillar myopathy 5. Also called: Filaminopathy (type); FILAMINOPATHY, AUTOSOMAL DOMINANT. Identifiers: Orphanet 171445, MedGen C1836050, MONDO:0012289, OMIM 609524.
Hypertrophic cardiomyopathy 26. Also called: Cardiomyopathy, familial hypertrophic, 26. Identifiers: Orphanet 75249, MedGen C4310749, MONDO:0014883, OMIM 617047.

Submission:

Labcorp Genetics (formerly Invitae), Labcorp
Classification: Uncertain significance for Distal myopathy with posterior leg and anterior hand involvement; Myofibrillar myopathy 5; Hypertrophic cardiomyopathy 26. Last evaluated: 2017-11-19. Review status: criteria provided, single submitter. Criteria: Invitae Variant Classification Sherloc (09022015). Collection method: clinical testing. Allele origin: germline.
Comment: In summary, the available evidence is currently insufficient to determine the role of this variant in disease. Therefore, it has been classified as a Variant of Uncertain Significance. Algorithms developed to predict the effect of missense changes on protein structure and function do not agree on the potential impact of this missense change (SIFT: "Deleterious"; PolyPhen-2: "Probably Damaging"; Align-GVGD: "Class C0"). This variant has not been reported in the literature in individuals with FLNC-related disease. This variant is not present in population databases (ExAC no frequency). This sequence change replaces lysine with threonine at codon 2576 of the FLNC protein (p.Lys2576Thr). The lysine residue is highly conserved and there is a moderate physicochemical difference between lysine and threonine.

NM_001458.5(FLNC):c.7727A>C (p.Lys2576Thr)

Genes: FLNC-AS1 (FLNC antisense RNA 1; minus strand), FLNC (filamin C; plus strand). Cytogenetic location: 7q32.1.
Variant type: single nucleotide variant.
Coding change: c.7727A>C on transcript NM_001458.5 (MANE Select); coding-DNA position 7727, A replaced by C.
Protein change: p.Lys2576Thr; replaces lysine 2576 with threonine.
Molecular consequence: missense variant.
Genome position (GRCh38, 1-based): chr7:128,857,283, A>C. VCF-style: chr7-128857283-A-C. GRCh37 (hg19) VCF-style: chr7-128497337-A-C.
Other names: c.7628A>C, p.Lys2543Thr (NM_001127487.2); short protein forms K2576T, K2543T.
Identifiers: ClinVar variation 539343 (VCV000539343.9), dbSNP rs1554401912, ClinGen allele CA369219851.
Genomic context (GRCh38, chr7:128,857,283, plus strand): 5'-CTGAGGGCCATGTGGTCACTTATACTCCCATGGCCCCTGGCAACTACCTCATTGCCATCA[A>C]GTACGGTGGCCCCCAGCACATCGTGGGCAGCCCCTTCAAGGCCAAGGTCACTGGTGAGTG-3'
Protein context (NP_001449.3, residues 2566-2586): MAPGNYLIAI[Lys2576Thr]YGGPQHIVGS